The following is an entry in ClinVar:

ClinVar aggregate classification (germline): Likely benign. Review status: criteria provided, multiple submitters, no conflicts (2 of 4 stars). 3 submissions from 3 submitters: Likely benign (3). Last evaluated 2024-10-18.

Conditions:
Cardiomyopathy (CMYO). Also called: Cardiomyopathies. Identifiers: Orphanet 167848, MedGen C0878544, MONDO:0004994, HP:0001638. Inheritance: Various modes of inheritance.
Arrhythmogenic right ventricular dysplasia 8 (ARVD8). Also called: ARRHYTHMOGENIC RIGHT VENTRICULAR DYSPLASIA, FAMILIAL, 8; Arrhythmogenic Right Ventricular Dysplasia/Cardiomyopathy 8; ARRHYTHMOGENIC RIGHT VENTRICULAR CARDIOMYOPATHY 8. Identifiers: MedGen C1843896, MONDO:0011831, OMIM 607450.
Arrhythmogenic cardiomyopathy with wooly hair and keratoderma. Also called: Carvajal syndrome; PALMOPLANTAR KERATODERMA WITH LEFT VENTRICULAR CARDIOMYOPATHY AND WOOLLY HAIR; Dilated cardiomyopathy with woolly hair and keratoderma; Arrhythmogenic cardiomyopathy with woolly hair and keratoderma. Identifiers: Orphanet 65282, MedGen C1854063, MONDO:0011581, OMIM 605676.

gnomAD v4.1: 2 of 1,614,022 alleles (0.00012%); highest among the groups gnomAD compares: South Asian, 0.0011%; no homozygotes.

Submissions (3):

Labcorp Genetics (formerly Invitae), Labcorp
Classification: Likely benign for Arrhythmogenic cardiomyopathy with wooly hair and keratoderma; Arrhythmogenic right ventricular dysplasia 8. Last evaluated: 2024-10-18. Review status: criteria provided, single submitter. Criteria: Invitae Variant Classification Sherloc (09022015). Collection method: clinical testing. Allele origin: germline.

All of Us Research Program, National Institutes of Health
Classification: Likely benign for Arrhythmogenic cardiomyopathy with wooly hair and keratoderma. Last evaluated: 2024-03-24. Review status: criteria provided, single submitter. Criteria: ACMG Guidelines, 2015. Collection method: clinical testing. Allele origin: germline. Inheritance: Autosomal dominant inheritance. Observed: 1 variant allele, 1 heterozygote.
Comment: This study involves interpretation of variants in research participants for the purpose of population health screening. Participant phenotype was not available at the time of variant classification. Additional details can be found in publication PMID: 35346344, PMCID: PMC8962531

Color Diagnostics, LLC DBA Color Health
Classification: Likely benign for Cardiomyopathy. Last evaluated: 2024-02-13. Review status: criteria provided, single submitter. Criteria: ACMG Guidelines, 2015. Collection method: clinical testing. Allele origin: germline.

NM_004415.4(DSP):c.6567G>T (p.Arg2189=)

Gene: DSP (desmoplakin; plus strand). Cytogenetic location: 6p24.3.
Variant type: single nucleotide variant.
Coding change: c.6567G>T on transcript NM_004415.4 (MANE Select); coding-DNA position 6567, G replaced by T.
Protein change: p.Arg2189=; no amino-acid change (arginine 2189 retained).
Molecular consequence: synonymous variant.
Genome position (GRCh38, 1-based): chr6:7,583,829, G>T. VCF-style: chr6-7583829-G-T. GRCh37 (hg19) VCF-style: chr6-7584062-G-T.
Other names: c.4770G>T, p.Arg1590= (NM_001008844.3); c.5238G>T, p.Arg1746= (NM_001319034.2).
Identifiers: ClinVar variation 3386704 (VCV003386704.4).
Genomic context (GRCh38, chr6:7,583,829, plus strand): 5'-GAAAAACTTTGTGGATCCAGTCACCAAAAAGAAGGTCAGTTACGTGCAGCTGAAGGAACG[G>T]TGCAGAATCGAACCACATACTGGTCTGCTCTTGCTTTCAGTACAGAAGAGAAGCATGTCC-3'
Protein context (NP_004406.2, residues 2179-2199): KKVSYVQLKE[Arg2189=]CRIEPHTGLL